The following is an entry in ClinVar:

ClinVar aggregate classification (germline): Benign/Likely benign. Review status: criteria provided, multiple submitters, no conflicts (2 of 4 stars). 5 submissions from 5 submitters: Benign (3); Likely benign (2). Last evaluated 2025-12-06.

Conditions:
POU3F4-related disorder. Also called: POU3F4-related condition.

Allele frequency attached by ClinVar (database versions not stated): TOPMed 0.00002; gnomAD 0.00008 and 0.00002; gnomAD exomes 0.00025 and 0.00047; ExAC 0.00058; 1000 Genomes Project 0.00079; 1000 Genomes Project 30x 0.00083.

Submissions (5):

Labcorp Genetics (formerly Invitae), Labcorp
Classification: Benign. Last evaluated: 2025-12-06. Review status: criteria provided, single submitter. Criteria: Invitae Variant Classification Sherloc (09022015). Collection method: clinical testing. Allele origin: germline.

PreventionGenetics, part of Exact Sciences
Classification: Likely benign for POU3F4-related condition. Last evaluated: 2024-12-21. Review status: criteria provided, single submitter. Criteria: ACMG Guidelines, 2015. Collection method: clinical testing. Allele origin: germline.
Comment: This variant is classified as likely benign based on ACMG/AMP sequence variant interpretation guidelines (Richards et al. 2015 PMID: 25741868, with internal and published modifications).

Blueprint Genetics
Classification: Likely benign. Last evaluated: 2024-09-05. Review status: criteria provided, single submitter. Criteria: ACMG Guidelines, 2015. Collection method: clinical testing. Allele origin: germline.

GeneDx
Classification: Benign. Last evaluated: 2019-01-28. Review status: criteria provided, single submitter. Criteria: GeneDx Variant Classification Process June 2021. Collection method: clinical testing. Allele origin: germline. Affected: yes.

Laboratory for Molecular Medicine, Mass General Brigham Personalized Medicine
Classification: Benign. Last evaluated: 2016-05-05. Review status: criteria provided, single submitter. Criteria: LMM Criteria. Collection method: clinical testing. Allele origin: germline. Observed: 1 variant allele.
Comment: p.Leu219Leu in exon 1 of POU3F4: This variant is not expected to have clinical s ignificance because it does not alter an amino acid residue and is not located w ithin the splice consensus sequence. It has been identified in 0.5% (47/10079) o f South Asian chromosomes by the Exome Aggregation Consortium (ExAC .; dbSNP rs781092151).

NM_000307.5(POU3F4):c.655C>T (p.Leu219=)

Gene: POU3F4 (POU class 3 homeobox 4; plus strand). Cytogenetic location: Xq21.1.
Variant type: single nucleotide variant.
Coding change: c.655C>T on transcript NM_000307.5 (MANE Select); coding-DNA position 655, C replaced by T.
Protein change: p.Leu219=; no amino-acid change (leucine 219 retained).
Molecular consequence: synonymous variant.
Genome position (GRCh38, 1-based): chrX:83,508,979, C>T. VCF-style: chrX-83508979-C-T. GRCh37 (hg19) VCF-style: chrX-82763987-C-T.
Identifiers: ClinVar variation 504940 (VCV000504940.17), dbSNP rs781092151, ClinGen allele CA10462797.